The following is an entry in ClinVar:

NM_022166.4(XYLT1):c.2561A>C (p.Glu854Ala)

Gene: XYLT1 (xylosyltransferase 1; minus strand). Cytogenetic location: 16p12.3.
Variant type: single nucleotide variant.
Coding change: c.2561A>C on transcript NM_022166.4 (MANE Select); coding-DNA position 2561, A replaced by C.
Protein change: p.Glu854Ala; replaces glutamic acid 854 with alanine.
Molecular consequence: missense variant.
Genome position (GRCh38, 1-based): chr16:17,109,014, T>G on the plus strand (A>C on the coding strand, the complement: XYLT1 is on the minus strand). VCF-style: chr16-17109014-T-G. GRCh37 (hg19) VCF-style: chr16-17202871-T-G.
Other names: c.2561A>C (NM_022166.3); short protein forms E854A.
Identifiers: ClinVar variation 1117432 (VCV001117432.10), dbSNP rs199588257, ClinGen allele CA7927538.

ClinVar aggregate classification (germline): Conflicting classifications of pathogenicity. Review status: criteria provided, conflicting classifications (1 of 4 stars). 2 submissions from 2 submitters: Uncertain significance (1); Likely benign (1). Last evaluated 2023-11-26.

Conditions:
Desbuquois dysplasia 1 (DBQD1). Also called: MICROMELIC DWARFISM WITH VERTEBRAL AND METAPHYSEAL ABNORMALITIES AND ADVANCED CARPOTARSAL OSSIFICATION; DESBUQUOIS DYSPLASIA 1, KIM VARIANT. Identifiers: Orphanet 1425, MedGen C4012146, MONDO:0009629, OMIM 251450.

Allele frequency attached by ClinVar (database versions not stated): ESP Exome Variant Server 0.00008; gnomAD 0.00010 and 0.00017; TOPMed 0.00011; ExAC 0.00028; gnomAD exomes 0.00033; 1000 Genomes Project 0.00060; 1000 Genomes Project 30x 0.00078.
gnomAD v4.1: 231 of 1,507,074 alleles (0.015%); highest among the groups gnomAD compares: East Asian, 0.51%; 2 homozygotes.

Submissions (2):

GeneDx
Classification: Uncertain significance. Last evaluated: 2023-11-26. Review status: criteria provided, single submitter. Criteria: GeneDx Variant Classification Process June 2021. Collection method: clinical testing. Allele origin: germline. Affected: yes.
Comment: In silico analysis supports that this missense variant has a deleterious effect on protein structure/function; Has not been previously published as pathogenic or benign to our knowledge

Labcorp Genetics (formerly Invitae), Labcorp
Classification: Likely benign for Desbuquois dysplasia 1. Last evaluated: 2023-09-23. Review status: criteria provided, single submitter. Criteria: Invitae Variant Classification Sherloc (09022015). Collection method: clinical testing. Allele origin: germline.